The following is an entry in ClinVar:

ClinVar aggregate classification (germline): Pathogenic/Likely pathogenic. Review status: criteria provided, multiple submitters, no conflicts (2 of 4 stars). 8 submissions from 8 submitters: Pathogenic (5); Likely pathogenic (2). 1 of the submissions does not count toward it. Last evaluated 2025-07-18.

Conditions:
VPS13B-related disorder. Also called: VPS13B-related condition.
Inborn genetic diseases. Identifiers: MedGen C0950123, MeSH D030342.
Cohen syndrome (COH1). Also called: Cutis verticis gyrata, retinitis pigmentosa, and sensorineural deafness; PEPPER SYNDROME. Identifiers: Orphanet 193, MedGen C0265223, MONDO:0008999, OMIM 216550.

Allele frequency attached by ClinVar (database versions not stated): TOPMed below 0.00001; gnomAD exomes 0.00001 and 0.00004; ExAC 0.00002; ESP Exome Variant Server 0.00008.
gnomAD v4.1: 54 of 1,614,128 alleles (0.0033%); highest among the groups gnomAD compares: Non-Finnish European, 0.0045%; no homozygotes.

Submissions (8):

Natera, Inc.
Classification: Pathogenic for Cohen syndrome. Last evaluated: 2025-07-18. Review status: criteria provided, single submitter. Criteria: Natera Variant Classification Schema (03/2026). Collection method: clinical testing. Allele origin: germline.
Comment: The c.6200T>A variant in VPS13B is a nonsense variant predicted to introduce a stop codon at amino acid 2067. This variant is expected to result in nonsense mediated decay, truncation, or a dysfunctional protein product. This variant is rare in the general population with a frequency below the threshold expected for the associated phenotype(s). This variant has been observed in one or more individuals affected with the associated recessive disease, as either homozygous or compound heterozygous with a second variant (PMID: 35052368, 39342494). Given the available evidence, this variant is classified as Pathogenic.

Laboratory for Molecular Medicine, Mass General Brigham Personalized Medicine
Classification: Pathogenic for Cohen syndrome. Last evaluated: 2024-03-28. Review status: criteria provided, single submitter. Criteria: ACMG Guidelines, 2015. Collection method: clinical testing. Allele origin: germline. Inheritance: Autosomal recessive inheritance.
Comment: The p.Leu2067X variant in VPS13B has been reported in the compound heterozygous state with another disease-causing variant in VPS13B in at least 2 individuals with clinical features of Cohen syndrome (Moon 2021 PMID: 35052368, ClinVar Accession: SCV003922264.1). In at least 1 individual, the VPS13B variants were confirmed to be in trans. This variant has also been reported by other clinical laboratories in ClinVar (Variation ID 280580) and has been identified in 0.005% (53/1111988) of European chromosomes by gnomAD (v.4.0.0), consistent with a recessive carrier frequency. This nonsense variant leads to a premature termination codon at position 2067, which is predicted to lead to a truncated or absent protein. Biallelic loss of function of the VPS13B gene is an established disease mechanism in autosomal recessive Cohen syndrome. In summary, this variant meets criteria to be classified as pathogenic for autosomal recessive Cohen syndrome. ACMG/AMP Criteria applied: PVS1, PM3, PM2_Supporting.

Blueprint Genetics
Classification: Likely pathogenic for VPS13B-related disorders. Last evaluated: 2023-11-17. Review status: criteria provided, single submitter. Criteria: ACMG Guidelines, 2015. Collection method: clinical testing. Allele origin: germline. Affected: yes. Observed: 3 variant alleles.

Labcorp Genetics (formerly Invitae), Labcorp
Classification: Pathogenic for Cohen syndrome. Last evaluated: 2023-11-17. Review status: criteria provided, single submitter. Criteria: Invitae Variant Classification Sherloc (09022015). Collection method: clinical testing. Allele origin: germline.
Comment: This sequence change creates a premature translational stop signal (p.Leu2067*) in the VPS13B gene. It is expected to result in an absent or disrupted protein product. Loss-of-function variants in VPS13B are known to be pathogenic (PMID: 15141358, 16648375, 20461111). This variant is present in population databases (rs371364257, gnomAD 0.006%). This variant has not been reported in the literature in individuals affected with VPS13B-related conditions. ClinVar contains an entry for this variant (Variation ID: 280580). For these reasons, this variant has been classified as Pathogenic.

GeneDx
Classification: Pathogenic. Last evaluated: 2023-05-28. Review status: criteria provided, single submitter. Criteria: GeneDx Variant Classification Process June 2021. Collection method: clinical testing. Allele origin: germline. Affected: yes.
Comment: Nonsense variant predicted to result in protein truncation or nonsense mediated decay in a gene for which loss of function is a known mechanism of disease; Not observed at significant frequency in large population cohorts (gnomAD); This variant is associated with the following publications: (PMID: 34840762, 35052368)

Broad Center for Mendelian Genomics, Broad Institute of MIT and Harvard
Classification: Likely pathogenic for Cohen syndrome. Last evaluated: 2023-05-02. Review status: criteria provided, single submitter. Criteria: ACMG Guidelines, 2015. Collection method: curation. Allele origin: germline. Inheritance: Autosomal recessive inheritance.
Comment: Trio exome analysis revealed that this variant was in trans with a likely pathogenic variant (ClinVar Variation ID: 279780). The p.Leu2067Ter variant in VPS13B has not been previously reported in the literature in individuals with Cohen syndrome but has been identified in 0.005% (1/18366) of East Asian chromosomes by the Genome Aggregation Database (gnomAD; dbSNP ID: rs371364257). Although this variant has been seen in the general population in a heterozygous state, its frequency is low enough to be consistent with a recessive carrier frequency. This variant has also been reported in ClinVar (Variation ID: 280580) and has been interpreted as pathogenic by Ambry, GeneDx, and Invitae. This nonsense variant leads to a premature termination codon at position 2067, which is predicted to lead to a truncated or absent protein. Loss of function of the VPS13B gene is an established disease mechanism in autosomal recessive Cohen syndrome. In summary, although additional studies are required to fully establish its clinical significance, this variant is likely pathogenic for autosomal recessive Cohen syndrome. ACMG/AMP Criteria applied: PVS1, PM2_Supporting (Richards 2015).

Ambry Genetics
Classification: Pathogenic for Inborn genetic diseases. Last evaluated: 2018-11-23. Review status: criteria provided, single submitter. Criteria: Ambry exome assertion method (8-5-2015). Collection method: clinical testing. Allele origin: germline. Affected: yes. Observed: 1 variant allele.

Genetics and Genomic Medicine Centre, NeuroGen Healthcare, NeuroGen Healthcare
Classification: Pathogenic. Last evaluated: 2021-11-07. Review status: no assertion criteria provided. Collection method: clinical testing. Allele origin: unknown. Affected: yes. Not counted in ClinVar's aggregate classification.

Literature cited by the submitters: PubMed 35052368 (cited by Natera, Inc. and Laboratory for Molecular Medicine, Mass General Brigham Personalized Medicine); PubMed 39342494 (cited by Natera, Inc.); PubMed 15141358 (cited by Labcorp Genetics (formerly Invitae), Labcorp); PubMed 16648375 (cited by Labcorp Genetics (formerly Invitae), Labcorp); PubMed 20461111 (cited by Labcorp Genetics (formerly Invitae), Labcorp).

NM_152564.5(VPS13B):c.6125T>A (p.Leu2042Ter)

Gene: VPS13B (vacuolar protein sorting 13 homolog B; plus strand). Cytogenetic location: 8q22.2.
Variant type: single nucleotide variant.
Coding change: c.6125T>A on transcript NM_152564.5 (MANE Select); coding-DNA position 6125, T replaced by A.
Protein change: p.Leu2042Ter; replaces leucine 2042 with a stop codon.
Molecular consequence: nonsense.
Genome position (GRCh38, 1-based): chr8:99,699,603, T>A. VCF-style: chr8-99699603-T-A. GRCh37 (hg19) VCF-style: chr8-100711831-T-A.
Other names: NM_152564.5(VPS13B):c.6125T>A; p.Leu2042Ter; c.6200T>A (NM_017890.4); c.6200T>A, p.Leu2067Ter (NM_017890.5); short protein forms L2042*, L2067*.
Identifiers: ClinVar variation 280580 (VCV000280580.20), dbSNP rs371364257, ClinGen allele CA4823946.